The following is an entry in ClinVar:

NM_005245.4(FAT1):c.5488C>T (p.His1830Tyr)

Gene: FAT1 (FAT atypical cadherin 1; minus strand). Cytogenetic location: 4q35.2.
Variant type: single nucleotide variant.
Coding change: c.5488C>T on transcript NM_005245.4 (MANE Select); coding-DNA position 5488, C replaced by T.
Protein change: p.His1830Tyr; replaces histidine 1830 with tyrosine.
Molecular consequence: missense variant.
Genome position (GRCh38, 1-based): chr4:186,621,098, G>A on the plus strand (C>T on the coding strand, the complement: FAT1 is on the minus strand). VCF-style: chr4-186621098-G-A. GRCh37 (hg19) VCF-style: chr4-187542252-G-A.
Other names: short protein forms H1830Y.
Identifiers: ClinVar variation 2781200 (VCV002781200.1), dbSNP rs746692408, ClinGen allele CA3166451.
Genomic context (GRCh38, chr4:186,621,098, plus strand): 5'-GCACTTGGACGGTAAAGTGAAAAATACTTGTTTCTTCATAGTCCAGACTTAGTACTGTAT[G>A]AATAGCACCAGTGCTAGAATCAATAGCAAAATATGTGTGTACAGATGGTTCAACAATGTG-3'
Protein context (NP_005236.2, residues 1820-1840): FAIDSSTGAI[His1830Tyr]TVLSLDYEET

ClinVar aggregate classification (germline): Uncertain significance (1 of 4 stars; one submission).

Allele frequency attached by ClinVar (database versions not stated): ExAC 0.00006.
gnomAD v4.1: 35 of 1,613,650 alleles (0.0022%); highest among the groups gnomAD compares: South Asian, 0.029%; no homozygotes.

Submission:

Labcorp Genetics (formerly Invitae), Labcorp
Classification: Uncertain significance. Last evaluated: 2023-11-21. Review status: criteria provided, single submitter. Criteria: Invitae Variant Classification Sherloc (09022015). Collection method: clinical testing. Allele origin: germline.
Comment: This sequence change replaces histidine, which is basic and polar, with tyrosine, which is neutral and polar, at codon 1830 of the FAT1 protein (p.His1830Tyr). This variant is present in population databases (rs746692408, gnomAD 0.04%). This variant has not been reported in the literature in individuals affected with FAT1-related conditions. Advanced modeling of protein sequence and biophysical properties (such as structural, functional, and spatial information, amino acid conservation, physicochemical variation, residue mobility, and thermodynamic stability) performed at Invitae indicates that this missense variant is not expected to disrupt FAT1 protein function with a negative predictive value of 80%. In summary, the available evidence is currently insufficient to determine the role of this variant in disease. Therefore, it has been classified as a Variant of Uncertain Significance.